The following is an entry in ClinVar:

NM_005461.5(MAFB):c.39C>T (p.Thr13=)

Gene: MAFB (MAF bZIP transcription factor B; minus strand). Cytogenetic location: 20q12.
Variant type: single nucleotide variant.
Coding change: c.39C>T on transcript NM_005461.5 (MANE Select); coding-DNA position 39, C replaced by T.
Protein change: p.Thr13=; no amino-acid change (threonine 13 retained).
Molecular consequence: synonymous variant.
Genome position (GRCh38, 1-based): chr20:40,688,812, G>A on the plus strand (C>T on the coding strand, the complement: MAFB is on the minus strand). VCF-style: chr20-40688812-G-A. GRCh37 (hg19) VCF-style: chr20-39317452-G-A.
Identifiers: ClinVar variation 4736477 (VCV004736477.1).

ClinVar aggregate classification (germline): Uncertain significance (1 of 4 stars; one submission).

gnomAD v4.1: 5 of 1,613,032 alleles (0.00031%); highest among the groups gnomAD compares: South Asian, 0.0044%; no homozygotes.

Submission:

Labcorp Genetics (formerly Invitae), Labcorp
Classification: Uncertain significance. Last evaluated: 2026-01-29. Review status: criteria provided, single submitter. Criteria: Invitae Variant Classification Sherloc (09022015). Collection method: clinical testing. Allele origin: germline.
Comment: This sequence change affects codon 13 of the MAFB mRNA. It is a 'silent' change, meaning that it does not change the encoded amino acid sequence of the MAFB protein. This variant is present in population databases (no rsID available, gnomAD 0.007%). This variant has not been reported in the literature in individuals affected with MAFB-related conditions. In summary, the available evidence is currently insufficient to determine the role of this variant in disease. Therefore, it has been classified as a Variant of Uncertain Significance.